The following is an entry in ClinVar:

ClinVar aggregate classification (germline): Uncertain significance (1 of 4 stars; one submission).

Allele frequency attached by ClinVar (database versions not stated): gnomAD exomes below 0.00001; TOPMed below 0.00001; gnomAD 0.00001.
gnomAD v4.1: 3 of 1,613,900 alleles (0.00019%); highest among the groups gnomAD compares: Admixed American, 0.005%; no homozygotes.

Submission:

Labcorp Genetics (formerly Invitae), Labcorp
Classification: Uncertain significance. Last evaluated: 2026-01-19. Review status: criteria provided, single submitter. Criteria: Invitae Variant Classification Sherloc (09022015). Collection method: clinical testing. Allele origin: germline.
Comment: This sequence change replaces glutamic acid, which is acidic and polar, with glycine, which is neutral and non-polar, at codon 109 of the DARS2 protein (p.Glu109Gly). This variant is present in population databases (no rsID available, gnomAD 0.006%). This variant has not been reported in the literature in individuals affected with DARS2-related conditions. ClinVar contains an entry for this variant (Variation ID: 1958754). Invitae Evidence Modeling of protein sequence and biophysical properties (such as structural, functional, and spatial information, amino acid conservation, physicochemical variation, residue mobility, and thermodynamic stability) indicates that this missense variant is expected to disrupt DARS2 protein function with a positive predictive value of 80%. In summary, the available evidence is currently insufficient to determine the role of this variant in disease. Therefore, it has been classified as a Variant of Uncertain Significance.

NM_018122.5(DARS2):c.326A>G (p.Glu109Gly)

Gene: DARS2 (aspartyl-tRNA synthetase 2, mitochondrial; plus strand). Cytogenetic location: 1q25.1.
Variant type: single nucleotide variant.
Coding change: c.326A>G on transcript NM_018122.5 (MANE Select); coding-DNA position 326, A replaced by G.
Protein change: p.Glu109Gly; replaces glutamic acid 109 with glycine.
Molecular consequence: missense variant.
Genome position (GRCh38, 1-based): chr1:173,830,691, A>G. VCF-style: chr1-173830691-A-G. GRCh37 (hg19) VCF-style: chr1-173799829-A-G.
Other names: c.326A>G, p.Glu109Gly (NM_001365212.1, NM_001365213.2); short protein forms E109G.
Identifiers: ClinVar variation 1958754 (VCV001958754.5), dbSNP rs1014797743, ClinGen allele CA32767278.